The following is an entry in ClinVar:

ClinVar aggregate classification (germline): Pathogenic (1 of 4 stars; one submission).

Conditions:
RHYNS syndrome. Also called: RETINITIS PIGMENTOSA SYNDROME; RETINITIS PIGMENTOSA, HYPOPITUITARISM, NEPHRONOPHTHISIS, AND MILD SKELETAL DYSPLASIA. Identifiers: Orphanet 140976, MedGen C1865794, MONDO:0011202, OMIM 602152.

Allele frequency attached by ClinVar (database versions not stated): gnomAD 0.00001.

Submission:

Centre for Mendelian Genomics, University Medical Centre Ljubljana
Classification: Pathogenic for RHYNS syndrome. Last evaluated: 2019-03-06. Review status: criteria provided, single submitter. Criteria: ACMG Guidelines, 2015. Collection method: clinical testing. Allele origin: unknown. Affected: yes.
Comment: This variant was classified as: Pathogenic. The following ACMG criteria were applied in classifying this variant: PVS1,PM2,.

NM_153704.6(TMEM67):c.2908-1G>T

Gene: TMEM67 (transmembrane protein 67; plus strand). Cytogenetic location: 8q22.1.
Variant type: single nucleotide variant.
Coding change: c.2908-1G>T on transcript NM_153704.6 (MANE Select); the canonical splice acceptor site of the intron before coding-DNA position 2908, G replaced by T.
Molecular consequence: splice acceptor variant.
Genome position (GRCh38, 1-based): chr8:93,816,371, G>T. VCF-style: chr8-93816371-G-T. GRCh37 (hg19) VCF-style: chr8-94828599-G-T.
Other names: c.2665-1G>T (NM_001142301.1).
Identifiers: ClinVar variation 931538 (VCV000931538.3), dbSNP rs1423869993, ClinGen allele CA371701468.